The following is an entry in ClinVar:

NM_002471.4(MYH6):c.3334G>A (p.Glu1112Lys)

Gene: MYH6 (myosin heavy chain 6; minus strand). Cytogenetic location: 14q11.2.
Variant type: single nucleotide variant.
Coding change: c.3334G>A on transcript NM_002471.4 (MANE Select); coding-DNA position 3334, G replaced by A.
Protein change: p.Glu1112Lys; replaces glutamic acid 1112 with lysine.
Molecular consequence: missense variant.
Genome position (GRCh38, 1-based): chr14:23,392,570, C>T on the plus strand (G>A on the coding strand, the complement: MYH6 is on the minus strand). VCF-style: chr14-23392570-C-T. GRCh37 (hg19) VCF-style: chr14-23861779-C-T.
Other names: short protein forms E1112K.
Identifiers: ClinVar variation 3669393 (VCV003669393.2).
Genomic context (GRCh38, chr14:23,392,570, plus strand): 5'-TTACCTCAGGGCTATTGAGCTCCCACTTTCATGCACTGGGAAAAAAAGTCACCTGGTTTT[C>T]CTTCAGTTTCTTCTGTAGTTGAAGGGCCAGCACCTGCTCATCCTCAATCTTACTGTTCTG-3'
Protein context (NP_002462.2, residues 1102-1122): LALQLQKKLK[Glu1112Lys]NQARIEELEE

ClinVar aggregate classification (germline): Uncertain significance (1 of 4 stars; one submission).

Conditions:
Hypertrophic cardiomyopathy 14. Identifiers: MedGen C2750467, MONDO:0013197, OMIM 613251.

gnomAD v4.1: 1 of 1,610,692 alleles (0.000062%); highest among the groups gnomAD compares: East Asian, 0.0022%; no homozygotes.

Submission:

Labcorp Genetics (formerly Invitae), Labcorp
Classification: Uncertain significance for Hypertrophic cardiomyopathy 14. Last evaluated: 2025-01-26. Review status: criteria provided, single submitter. Criteria: Invitae Variant Classification Sherloc (09022015). Collection method: clinical testing. Allele origin: germline.
Comment: This sequence change replaces glutamic acid, which is acidic and polar, with lysine, which is basic and polar, at codon 1112 of the MYH6 protein (p.Glu1112Lys). This variant is not present in population databases (gnomAD no frequency). This variant has not been reported in the literature in individuals affected with MYH6-related conditions. Invitae Evidence Modeling of protein sequence and biophysical properties (such as structural, functional, and spatial information, amino acid conservation, physicochemical variation, residue mobility, and thermodynamic stability) indicates that this missense variant is expected to disrupt MYH6 protein function with a positive predictive value of 80%. In summary, the available evidence is currently insufficient to determine the role of this variant in disease. Therefore, it has been classified as a Variant of Uncertain Significance.